The following is an entry in ClinVar:

ClinVar aggregate classification (germline): Uncertain significance (1 of 4 stars; one submission).

gnomAD v4.1: 15 of 1,613,668 alleles (0.00093%); highest among the groups gnomAD compares: Non-Finnish European, 0.0013%; no homozygotes.

Submission:

Ambry Genetics
Classification: Uncertain significance. Last evaluated: 2026-01-24. Review status: criteria provided, single submitter. Criteria: Ambry Variant Classification Scheme 2023. Collection method: clinical testing. Allele origin: germline.
Comment: The p.L632P variant (also known as c.1895T>C), located in coding exon 13 of the GEN1 gene, results from a T to C substitution at nucleotide position 1895. The leucine at codon 632 is replaced by proline, an amino acid with similar properties. This amino acid position is conserved. In addition, this alteration is predicted to be tolerated by in silico analysis. Based on the available evidence, the clinical significance of this variant remains unclear.

NM_001130009.3(GEN1):c.1895T>C (p.Leu632Pro)

Gene: GEN1 (GEN1 structure-specific endonuclease; plus strand). Cytogenetic location: 2p24.2.
Variant type: single nucleotide variant.
Coding change: c.1895T>C on transcript NM_001130009.3 (MANE Select); coding-DNA position 1895, T replaced by C.
Protein change: p.Leu632Pro; replaces leucine 632 with proline.
Molecular consequence: missense variant.
Genome position (GRCh38, 1-based): chr2:17,781,107, T>C. VCF-style: chr2-17781107-T-C. GRCh37 (hg19) VCF-style: chr2-17962374-T-C.
Other names: c.1895T>C, p.Leu632Pro (NM_182625.5); short protein forms L632P.
Identifiers: ClinVar variation 4844972 (VCV004844972.1).